The following is an entry in ClinVar:

ClinVar aggregate classification (germline): Uncertain significance. Review status: criteria provided, multiple submitters, no conflicts (2 of 4 stars). 2 submissions from 2 submitters: Uncertain significance (2). Last evaluated 2025-06-07.

Conditions:
Inborn genetic diseases. Identifiers: MedGen C0950123, MeSH D030342.
Juvenile onset Parkinson disease 19A. Also called: DNAJC6 Parkinson Disease; PARK19. Identifiers: Orphanet 391411, MedGen C3809811, MONDO:0014231, OMIM 615528.

Allele frequency attached by ClinVar (database versions not stated): gnomAD 0.00001; gnomAD exomes 0.00001; TOPMed 0.00002.

Submissions (2):

Ambry Genetics
Classification: Uncertain significance for Inborn genetic diseases. Last evaluated: 2025-06-07. Review status: criteria provided, single submitter. Criteria: Ambry Variant Classification Scheme 2023. Collection method: clinical testing. Allele origin: germline.

Labcorp Genetics (formerly Invitae), Labcorp
Classification: Uncertain significance for Juvenile onset Parkinson disease 19A. Last evaluated: 2021-09-01. Review status: criteria provided, single submitter. Criteria: Invitae Variant Classification Sherloc (09022015). Collection method: clinical testing. Allele origin: germline.
Comment: This sequence change replaces leucine with phenylalanine at codon 764 of the DNAJC6 protein (p.Leu764Phe). The leucine residue is weakly conserved and there is a small physicochemical difference between leucine and phenylalanine. This variant is not present in population databases (ExAC no frequency). This variant has not been reported in the literature in individuals affected with DNAJC6-related conditions. Algorithms developed to predict the effect of missense changes on protein structure and function are either unavailable or do not agree on the potential impact of this missense change (SIFT: "Deleterious"; PolyPhen-2: "Possibly Damaging"; Align-GVGD: "Class C0"). In summary, the available evidence is currently insufficient to determine the role of this variant in disease. Therefore, it has been classified as a Variant of Uncertain Significance.

NM_001256864.2(DNAJC6):c.2290C>T (p.Leu764Phe)

Gene: DNAJC6 (DnaJ heat shock protein family (Hsp40) member C6; plus strand). Cytogenetic location: 1p31.3.
Variant type: single nucleotide variant.
Coding change: c.2290C>T on transcript NM_001256864.2 (MANE Select); coding-DNA position 2290, C replaced by T.
Protein change: p.Leu764Phe; replaces leucine 764 with phenylalanine.
Molecular consequence: missense variant.
Genome position (GRCh38, 1-based): chr1:65,405,932, C>T. VCF-style: chr1-65405932-C-T. GRCh37 (hg19) VCF-style: chr1-65871615-C-T.
Other names: c.2119C>T (NM_014787.2); c.2080C>T, p.Leu694Phe (NM_001256865.2); c.2119C>T, p.Leu707Phe (NM_014787.4); short protein forms L694F, L764F, L707F.
Identifiers: ClinVar variation 474679 (VCV000474679.7), dbSNP rs917235831, ClinGen allele CA24366754.